The following is an entry in ClinVar:

ClinVar aggregate classification (germline): Uncertain significance. Review status: criteria provided, multiple submitters, no conflicts (2 of 4 stars). 3 submissions from 3 submitters: Uncertain significance (3). Last evaluated 2024-07-05.

Conditions:
Inborn genetic diseases. Identifiers: MedGen C0950123, MeSH D030342.
Intellectual disability, autosomal recessive 53 (NEDHSCA). Also called: GLYCOSYLPHOSPHATIDYLINOSITOL BIOSYNTHESIS DEFECT 13; Mental retardation, autosomal recessive 53; NEURODEVELOPMENTAL DISORDER WITH OR WITHOUT HYPOTONIA, SEIZURES, AND CEREBELLAR ATROPHY. Identifiers: Orphanet 488635, MedGen C4310794, MONDO:0014832, OMIM 616917.

Allele frequency attached by ClinVar (database versions not stated): gnomAD exomes 0.00001.
gnomAD v4.1: 8 of 1,614,210 alleles (0.0005%); highest among the groups gnomAD compares: Non-Finnish European, 0.00068%; no homozygotes.

Submissions (3):

Blueprint Genetics
Classification: Uncertain significance. Last evaluated: 2024-07-05. Review status: criteria provided, single submitter. Criteria: ACMG Guidelines, 2015. Collection method: clinical testing. Allele origin: germline.

Ambry Genetics
Classification: Uncertain significance for Inborn genetic diseases. Last evaluated: 2022-11-23. Review status: criteria provided, single submitter. Criteria: Ambry Variant Classification Scheme 2023. Collection method: clinical testing. Allele origin: germline.

Labcorp Genetics (formerly Invitae), Labcorp
Classification: Uncertain significance for Intellectual disability, autosomal recessive 53. Last evaluated: 2022-08-10. Review status: criteria provided, single submitter. Criteria: Invitae Variant Classification Sherloc (09022015). Collection method: clinical testing. Allele origin: germline.
Comment: This sequence change replaces alanine, which is neutral and non-polar, with threonine, which is neutral and polar, at codon 515 of the PIGG protein (p.Ala515Thr). This variant is not present in population databases (gnomAD no frequency). This variant has not been reported in the literature in individuals affected with PIGG-related conditions. ClinVar contains an entry for this variant (Variation ID: 642104). Algorithms developed to predict the effect of missense changes on protein structure and function output the following: SIFT: "Tolerated"; PolyPhen-2: "Benign"; Align-GVGD: "Class C0". The threonine amino acid residue is found in multiple mammalian species, which suggests that this missense change does not adversely affect protein function. In summary, the available evidence is currently insufficient to determine the role of this variant in disease. Therefore, it has been classified as a Variant of Uncertain Significance.

NM_001127178.3(PIGG):c.1543G>A (p.Ala515Thr)

Gene: PIGG (phosphatidylinositol glycan anchor biosynthesis class G (EMM blood group); plus strand). Cytogenetic location: 4p16.3.
Variant type: single nucleotide variant.
Coding change: c.1543G>A on transcript NM_001127178.3 (MANE Select); coding-DNA position 1543, G replaced by A.
Protein change: p.Ala515Thr; replaces alanine 515 with threonine.
Molecular consequence: missense variant. On other transcripts: 3 prime UTR variant (2), non-coding transcript variant (10).
Genome position (GRCh38, 1-based): chr4:521,870, G>A. VCF-style: chr4-521870-G-A. GRCh37 (hg19) VCF-style: chr4-515659-G-A.
Other names: c.1276G>A, p.Ala426Thr (NM_001289051.2, NM_001289053.2, NM_001345986.2); c.1144G>A, p.Ala382Thr (NM_001289052.2); c.*105G>A (NM_001289055.2); c.*158G>A (NM_001289057.2); c.1252G>A, p.Ala418Thr (NM_001345987.2); c.514G>A, p.Ala172Thr (NM_001345988.2); c.1543G>A, p.Ala515Thr (NM_001345989.2); c.10G>A, p.Ala4Thr (NM_001345990.2, NM_001345991.2); and 3 more; short protein forms A172T, A382T, A426T, A4T, A507T, A515T, A149T, A418T.
Identifiers: ClinVar variation 642104 (VCV000642104.8), dbSNP rs749179747, ClinGen allele CA91065229.